The following is an entry in ClinVar:

ClinVar aggregate classification (germline): Uncertain significance (1 of 4 stars; one submission).

Conditions:
Inborn genetic diseases. Identifiers: MedGen C0950123, MeSH D030342.

gnomAD v4.1: 2 of 1,613,964 alleles (0.00012%); highest among the groups gnomAD compares: Non-Finnish European, 0.00017%; no homozygotes.

Submission:

Ambry Genetics
Classification: Uncertain significance for Inborn genetic diseases. Last evaluated: 2025-03-25. Review status: criteria provided, single submitter. Criteria: Ambry Variant Classification Scheme 2023. Collection method: clinical testing. Allele origin: germline.
Comment: The p.I144N variant (also known as c.431T>A), located in coding exon 3 of the CAV1 gene, results from a T to A substitution at nucleotide position 431. The isoleucine at codon 144 is replaced by asparagine, an amino acid with dissimilar properties. This amino acid position is conserved. In addition, this alteration is predicted to be deleterious by in silico analysis. Based on the available evidence, the clinical significance of this variant remains unclear.

NM_001753.5(CAV1):c.431T>A (p.Ile144Asn)

Gene: CAV1 (caveolin 1; plus strand). Cytogenetic location: 7q31.2.
Variant type: single nucleotide variant.
Coding change: c.431T>A on transcript NM_001753.5 (MANE Select); coding-DNA position 431, T replaced by A.
Protein change: p.Ile144Asn; replaces isoleucine 144 with asparagine.
Molecular consequence: missense variant.
Genome position (GRCh38, 1-based): chr7:116,559,181, T>A. VCF-style: chr7-116559181-T-A. GRCh37 (hg19) VCF-style: chr7-116199235-T-A.
Other names: c.338T>A, p.Ile113Asn (NM_001172895.1, NM_001172896.2, NM_001172897.2); short protein forms I144N, I113N.
Identifiers: ClinVar variation 3995902 (VCV003995902.1).